The following is an entry in ClinVar:

ClinVar aggregate classification (germline): Benign/Likely benign. Review status: criteria provided, multiple submitters, no conflicts (2 of 4 stars). 6 submissions from 6 submitters: Benign (1); Likely benign (5). Last evaluated 2026-01-24.

Conditions:
Hereditary cancer-predisposing syndrome. Also called: Neoplastic Syndromes, Hereditary; Hereditary neoplastic syndrome; Tumor predisposition; Hereditary Cancer Syndrome. Identifiers: Orphanet 140162, MedGen C0027672, MeSH D009386, MONDO:0015356.
Familial cancer of breast. Also called: hereditary breast carcinoma; Hereditary breast cancer; BREAST CANCER, FAMILIAL. Identifiers: Orphanet 227535, MedGen C0346153, MONDO:0016419, OMIM 114480. Disease mechanism: loss of function.
Ataxia-telangiectasia syndrome (AT). Also called: Ataxia telangiectasia (A-T); Cerebello-oculocutaneous telangiectasia; Immunodeficiency with ataxia telangiectasia; LOUIS-BAR SYNDROME; AT, COMPLEMENTATION GROUP C; ATAXIA-TELANGIECTASIA, FRESNO VARIANT. Identifiers: Orphanet 100, MedGen C0004135, MONDO:0008840, OMIM 208900.

Allele frequency attached by ClinVar (database versions not stated): gnomAD 0.00001; gnomAD exomes 0.00001; TOPMed 0.00001.
gnomAD v4.1: 15 of 1,614,002 alleles (0.00093%); highest among the groups gnomAD compares: Non-Finnish European, 0.0013%; no homozygotes.

Submissions (6):

Labcorp Genetics (formerly Invitae), Labcorp
Classification: Likely benign for Ataxia-telangiectasia syndrome. Last evaluated: 2026-01-24. Review status: criteria provided, single submitter. Criteria: Invitae Variant Classification Sherloc (09022015). Collection method: clinical testing. Allele origin: germline.

Myriad Genetics, Inc.
Classification: Benign for Familial cancer of breast. Last evaluated: 2024-06-06. Review status: criteria provided, single submitter. Criteria: Myriad Autosomal Dominant, Autosomal Recessive and X-Linked Classification Criteria (2023). Collection method: clinical testing. Allele origin: unknown.
Comment: This variant is considered benign. This variant is a silent/synonymous amino acid change and it is not expected to impact splicing.

Blueprint Genetics
Classification: Likely benign. Last evaluated: 2023-03-17. Review status: criteria provided, single submitter. Criteria: ACMG Guidelines, 2015. Collection method: clinical testing. Allele origin: germline.

GeneDx
Classification: Likely benign. Last evaluated: 2018-04-13. Review status: criteria provided, single submitter. Criteria: GeneDx Variant Classification Process June 2021. Collection method: clinical testing. Allele origin: germline. Affected: yes.

Color Diagnostics, LLC DBA Color Health
Classification: Likely benign for Hereditary cancer-predisposing syndrome. Last evaluated: 2016-08-18. Review status: criteria provided, single submitter. Criteria: ACMG Guidelines, 2015. Collection method: clinical testing. Allele origin: germline.

Ambry Genetics
Classification: Likely benign for Hereditary cancer-predisposing syndrome. Last evaluated: 2015-07-08. Review status: criteria provided, single submitter. Criteria: Ambry Variant Classification Scheme 2023. Collection method: clinical testing. Allele origin: germline.

NM_000051.4(ATM):c.6456A>G (p.Val2152=)

Genes: ATM (ATM serine/threonine kinase; plus strand), C11orf65 (chromosome 11 open reading frame 65; minus strand). Cytogenetic location: 11q22.3.
Variant type: single nucleotide variant.
Coding change: c.6456A>G on transcript NM_000051.4 (MANE Select); coding-DNA position 6456, A replaced by G.
Protein change: p.Val2152=; no amino-acid change (valine 2152 retained).
Molecular consequence: synonymous variant. On other transcripts: intron variant (2).
Genome position (GRCh38, 1-based): chr11:108,321,304, A>G. VCF-style: chr11-108321304-A-G. GRCh37 (hg19) VCF-style: chr11-108192031-A-G.
Other names: c.6456A>G, p.Val2152= (NM_001351834.2); c.641-12233T>C (NM_001330368.2); c.*39-12233T>C (NM_001351110.2).
Identifiers: ClinVar variation 232827 (VCV000232827.22), dbSNP rs876660014, ClinGen allele CA10579223.